The following is an entry in ClinVar:

ClinVar aggregate classification (germline): Uncertain significance (1 of 4 stars; one submission).

Submission:

CeGaT Center for Human Genetics Tuebingen
Classification: Uncertain significance. Last evaluated: 2025-06-01. Review status: criteria provided, single submitter. Criteria: CeGaT Center For Human Genetics Tuebingen Variant Classification Criteria Version 2. Collection method: clinical testing. Allele origin: germline. Affected: yes. Observed: 1 variant allele.
Comment: SCN9A: PM2, BP4

NM_001365536.1(SCN9A):c.3436A>T (p.Met1146Leu)

Genes: SCN1A-AS1 (SCN1A and SCN9A antisense RNA 1; plus strand), SCN9A (sodium voltage-gated channel alpha subunit 9; minus strand). Cytogenetic location: 2q24.3.
Variant type: single nucleotide variant.
Coding change: c.3436A>T on transcript NM_001365536.1 (MANE Select); coding-DNA position 3436, A replaced by T.
Protein change: p.Met1146Leu; replaces methionine 1146 with leucine.
Molecular consequence: missense variant. On other transcripts: non-coding transcript variant (1).
Genome position (GRCh38, 1-based): chr2:166,251,801, T>A on the plus strand (A>T on the coding strand, the complement: SCN9A is on the minus strand). VCF-style: chr2-166251801-T-A. GRCh37 (hg19) VCF-style: chr2-167108311-T-A.
Other names: c.3403A>T, p.Met1135Leu (NM_002977.4); short protein forms M1135L, M1146L.
Identifiers: ClinVar variation 4085251 (VCV004085251.8).